The following is an entry in ClinVar:

NM_020738.4(KIDINS220):c.264G>A (p.Glu88=)

Gene: KIDINS220 (kinase D interacting substrate 220; minus strand). Cytogenetic location: 2p25.1.
Variant type: single nucleotide variant.
Coding change: c.264G>A on transcript NM_020738.4 (MANE Select); coding-DNA position 264, G replaced by A.
Protein change: p.Glu88=; no amino-acid change (glutamic acid 88 retained).
Molecular consequence: synonymous variant. On other transcripts: non-coding transcript variant (2).
Genome position (GRCh38, 1-based): chr2:8,817,660, C>T on the plus strand (G>A on the coding strand, the complement: KIDINS220 is on the minus strand). VCF-style: chr2-8817660-C-T. GRCh37 (hg19) VCF-style: chr2-8957790-C-T.
Other names: c.264G>A, p.Glu88= (NM_001348729.2, NM_001348731.2, NM_001348732.2 and 9 more transcripts); c.138G>A, p.Glu46= (NM_001348736.2).
Identifiers: ClinVar variation 3053245 (VCV003053245.2), dbSNP rs759063407, ClinGen allele CA1520478.

ClinVar aggregate classification (germline): Likely benign (0 of 4 stars; one submission).

Conditions:
KIDINS220-related disorder. Also called: KIDINS220-related condition.

Allele frequency attached by ClinVar (database versions not stated): gnomAD exomes below 0.00001; ExAC 0.00001; TOPMed 0.00002.

Submission:

PreventionGenetics, part of Exact Sciences
Classification: Likely benign for KIDINS220-related condition. Last evaluated: 2023-07-21. Review status: no assertion criteria provided. Collection method: clinical testing. Allele origin: germline.
Comment: This variant is classified as likely benign based on ACMG/AMP sequence variant interpretation guidelines (Richards et al. 2015 PMID: 25741868, with internal and published modifications).